The following is an entry in ClinVar:

NM_015991.4(C1QA):c.469G>T (p.Gly157Cys)

Gene: C1QA (complement C1q A chain; plus strand). Cytogenetic location: 1p36.12.
Variant type: single nucleotide variant.
Coding change: c.469G>T on transcript NM_015991.4 (MANE Select); coding-DNA position 469, G replaced by T.
Protein change: p.Gly157Cys; replaces glycine 157 with cysteine.
Molecular consequence: missense variant.
Genome position (GRCh38, 1-based): chr1:22,639,138, G>T. VCF-style: chr1-22639138-G-T. GRCh37 (hg19) VCF-style: chr1-22965631-G-T.
Other names: c.469G>T, p.Gly157Cys (NM_001347465.2, NM_001347466.2); short protein forms G157C.
Identifiers: ClinVar variation 1215669 (VCV001215669.3), dbSNP rs953707145, ClinGen allele CA338929943.

ClinVar aggregate classification (germline): Likely pathogenic (1 of 4 stars; one submission).

Submission:

GeneDx
Classification: Likely pathogenic. Last evaluated: 2020-04-08. Review status: criteria provided, single submitter. Criteria: GeneDx Variant Classification Process June 2021. Collection method: clinical testing. Allele origin: germline. Affected: yes.
Comment: Not observed in large population cohorts (Lek et al., 2016); In silico analysis, which includes protein predictors and evolutionary conservation, supports a deleterious effect; Has not been previously published as pathogenic or benign to our knowledge